The following is an entry in ClinVar:

NM_001267550.2(TTN):c.105802G>A (p.Glu35268Lys)

Genes: TTN (titin; minus strand), TTN-AS1 (TTN antisense RNA 1; plus strand), LOC129935183 (ATAC-STARR-seq lymphoblastoid active region 16808; plus strand). Cytogenetic location: 2q31.2.
Variant type: single nucleotide variant.
Coding change: c.105802G>A on transcript NM_001267550.2 (MANE Select); coding-DNA position 105802, G replaced by A.
Protein change: p.Glu35268Lys; replaces glutamic acid 35268 with lysine.
Molecular consequence: missense variant.
Genome position (GRCh38, 1-based): chr2:178,530,813, C>T on the plus strand (G>A on the coding strand, the complement: TTN is on the minus strand). VCF-style: chr2-178530813-C-T. GRCh37 (hg19) VCF-style: chr2-179395540-C-T.
Other names: c.100879G>A, p.Glu33627Lys (NM_001256850.1); c.78607G>A, p.Glu26203Lys (NM_003319.4); c.98098G>A, p.Glu32700Lys (NM_133378.4); c.78982G>A, p.Glu26328Lys (NM_133432.3); c.79183G>A, p.Glu26395Lys (NM_133437.4); short protein forms E26203K, E26328K, E26395K, E32700K, E33627K, E35268K.
Identifiers: ClinVar variation 1053440 (VCV001053440.9), dbSNP rs1010179080, ClinGen allele CA60953647.

ClinVar aggregate classification (germline): Uncertain significance. Review status: criteria provided, multiple submitters, no conflicts (2 of 4 stars). 2 submissions from 2 submitters: Uncertain significance (2). Last evaluated 2023-07-12.

Conditions:
Hypertrophic cardiomyopathy 9. Also called: Familial hypertrophic cardiomyopathy 9. Identifiers: MedGen C1861065, MONDO:0013412, OMIM 613765.
Tibial muscular dystrophy (TMD). Also called: UDD MYOPATHY; Udd Distal Myopathy – Tibial Muscular Dystrophy; Tibial muscular dystrophy, tardive. Identifiers: Orphanet 609, MedGen C1838244, MONDO:0010870, OMIM 600334.
Early-onset myopathy with fatal cardiomyopathy (CMYO5). Also called: Salih Myopathy; CONGENITAL MYOPATHY 5 WITH CARDIOMYOPATHY. Identifiers: Orphanet 289377, MedGen C2673677, MONDO:0012714, OMIM 611705. Disease mechanism: loss of function.
Myopathy, myofibrillar, 9, with early respiratory failure (MFM9). Also called: MYOPATHY, PROXIMAL, WITH EARLY RESPIRATORY MUSCLE INVOLVEMENT; Hereditary myopathy with early respiratory failure; EDSTROM MYOPATHY; Myopathy, distal, with early respiratory failure, autosomal dominant. Identifiers: Orphanet 178464, Orphanet 34521, MedGen C1863599, MONDO:0011362, OMIM 603689.
Dilated cardiomyopathy 1G (CMD1G). Identifiers: Orphanet 154, MedGen C1858763, MONDO:0011400, OMIM 604145.
Autosomal recessive limb-girdle muscular dystrophy type 2J (LGMDR10). Also called: Limb-girdle muscular dystrophy, type 2J; MUSCULAR DYSTROPHY, LIMB-GIRDLE, AUTOSOMAL RECESSIVE 10. Identifiers: Orphanet 140922, MedGen C1837342, MONDO:0012127, OMIM 608807.

Allele frequency attached by ClinVar (database versions not stated): gnomAD exomes below 0.00001; gnomAD 0.00001; TOPMed 0.00001.
gnomAD v4.1: 4 of 1,613,676 alleles (0.00025%); highest among the groups gnomAD compares: African/African-American, 0.0027%; no homozygotes.

Submissions (2):

Labcorp Genetics (formerly Invitae), Labcorp
Classification: Uncertain significance for Dilated cardiomyopathy 1G; Autosomal recessive limb-girdle muscular dystrophy type 2J. Last evaluated: 2023-07-12. Review status: criteria provided, single submitter. Criteria: Invitae Variant Classification Sherloc (09022015). Collection method: clinical testing. Allele origin: germline.
Comment: ClinVar contains an entry for this variant (Variation ID: 1053440). Experimental studies and prediction algorithms are not available or were not evaluated, and the functional significance of this variant is currently unknown. This variant is located in the M band of TTN (PMID: 25589632). Variants in this region may be relevant for neuromuscular disorders, but have not been definitively shown to cause cardiomyopathy (PMID: 23975875). In summary, the available evidence is currently insufficient to determine the role of this variant in disease. Therefore, it has been classified as a Variant of Uncertain Significance. This variant has not been reported in the literature in individuals affected with TTN-related conditions. This sequence change replaces glutamic acid, which is acidic and polar, with lysine, which is basic and polar, at codon 35268 of the TTN protein (p.Glu35268Lys). This variant is present in population databases (no rsID available, gnomAD 0.007%).

Fulgent Genetics
Classification: Uncertain significance for Tibial muscular dystrophy; Myopathy, myofibrillar, 9, with early respiratory failure; Dilated cardiomyopathy 1G; Autosomal recessive limb-girdle muscular dystrophy type 2J; Early-onset myopathy with fatal cardiomyopathy; Hypertrophic cardiomyopathy 9. Last evaluated: 2021-09-03. Review status: criteria provided, single submitter. Criteria: ACMG Guidelines, 2015. Collection method: clinical testing. Allele origin: unknown.

Literature cited by the submitters: PubMed 25589632 (cited by Labcorp Genetics (formerly Invitae), Labcorp); PubMed 23975875 (cited by Labcorp Genetics (formerly Invitae), Labcorp).